The following is an entry in ClinVar:

NM_172107.4(KCNQ2):c.1727_1731dup (p.Met578fs)

Gene: KCNQ2 (potassium voltage-gated channel subfamily Q member 2; minus strand). Cytogenetic location: 20q13.33.
Variant type: Duplication.
Coding change: c.1727_1731dup on transcript NM_172107.4 (MANE Select); coding-DNA positions 1727 to 1731, 5 bases duplicated (TGGAC; older notation c.1727_1731dupTGGAC).
Protein change: p.Met578fs; shifts the reading frame from methionine 578.
Molecular consequence: frameshift variant.
Genome position (GRCh38, 1-based): chr20:63,413,482-63,413,486, GTCCA duplicated on the plus strand (TGGAC on the coding strand, the reverse complement: KCNQ2 is on the minus strand); duplicating any 5 consecutive bases within chr20:63,413,482-63,413,487 gives the same sequence; the c. name uses the placement nearest the transcript's 3' end. VCF-style (leftmost placement, unchanged base first): chr20-63413481-T-TGTCCA. GRCh37 (hg19) VCF-style: chr20-62044834-T-TGTCCA.
Other names: c.1673_1677dup, p.Met560fs (NM_001382235.1, NM_172106.3); c.1643_1647dup, p.Met550fs (NM_004518.6); c.1634_1638dup, p.Met547fs (NM_172108.5); short protein forms M547fs, M550fs, M560fs, M578fs.
Identifiers: ClinVar variation 2842291 (VCV002842291.3), dbSNP rs2516167210, ClinGen allele CA2739277252.

ClinVar aggregate classification (germline): Pathogenic (1 of 4 stars; one submission).

Conditions:
Early-infantile DEE. Also called: Early infantile epileptic encephalopathy; Early infantile epileptic encephalopathy with suppression bursts; Ohtahara syndrome. Identifiers: Orphanet 1934, MedGen C0393706, MONDO:0800491.

Submission:

Labcorp Genetics (formerly Invitae), Labcorp
Classification: Pathogenic for Early-infantile DEE. Last evaluated: 2025-01-07. Review status: criteria provided, single submitter. Criteria: Invitae Variant Classification Sherloc (09022015). Collection method: clinical testing. Allele origin: germline.
Comment: This sequence change creates a premature translational stop signal (p.Met578Trpfs*44) in the KCNQ2 gene. While this is not anticipated to result in nonsense mediated decay, it is expected to disrupt the last 295 amino acid(s) of the KCNQ2 protein. This variant is not present in population databases (gnomAD no frequency). This variant has not been reported in the literature in individuals affected with KCNQ2-related conditions. ClinVar contains an entry for this variant (Variation ID: 2842291). This variant disrupts a region of the KCNQ2 protein in which other variant(s) (p.Lys829Serfs*35) have been determined to be pathogenic (internal data). This suggests that this is a clinically significant region of the protein, and that variants that disrupt it are likely to be disease-causing. For these reasons, this variant has been classified as Pathogenic.